The following is an entry in ClinVar:

NC_000002.12:g.(?_50236769)_(50346969_?)dup

Gene: NRXN1 (neurexin 1; minus strand). Cytogenetic location: 2p16.3.
Variant type: Duplication.
Identifiers: ClinVar variation 833283 (VCV000833283.3).

ClinVar aggregate classification (germline): Likely pathogenic (1 of 4 stars; one submission).

Conditions:
Pitt-Hopkins-like syndrome 2 (PTHSL2). Identifiers: Orphanet 221150, Orphanet 600663, MedGen C3280479, MONDO:0013690, OMIM 614325.

Submission:

Labcorp Genetics (formerly Invitae), Labcorp
Classification: Likely pathogenic for Pitt-Hopkins-like syndrome 2. Last evaluated: 2022-06-14. Review status: criteria provided, single submitter. Criteria: Invitae Variant Classification Sherloc (09022015). Collection method: clinical testing. Allele origin: germline.
Comment: In summary, the currently available evidence indicates that the variant is pathogenic, but additional data are needed to prove that conclusively. Therefore, this variant has been classified as Likely Pathogenic. This variant has not been reported in the literature in individuals affected with NRXN1-related conditions. This variant results in a copy number gain of the genomic region encompassing exon(s) 19 of the NRXN1 gene. While the exact position of this variant cannot be determined from the data, sub-genic copy number gains are generally in tandem (PMID: 25640679). This variant is predicted to be out-of-frame, and may result in an absent or disrupted protein product. Loss-of-function variants in NRXN1 are known to be pathogenic (PMID: 19896112, 21964664, 23495017, 23533028, 25149956, 30031152).

Literature cited by the submitters: PubMed 25640679; PubMed 19896112; PubMed 21964664; PubMed 23495017; PubMed 23533028; PubMed 25149956; PubMed 30031152.